The following is an entry in ClinVar:

NM_004933.3(CDH15):c.1813G>C (p.Gly605Arg)

Genes: CDH15 (cadherin 15; plus strand), LOC130059794 (ATAC-STARR-seq lymphoblastoid silent region 7894; plus strand). Cytogenetic location: 16q24.3.
Variant type: single nucleotide variant.
Coding change: c.1813G>C on transcript NM_004933.3 (MANE Select); coding-DNA position 1813, G replaced by C.
Protein change: p.Gly605Arg; replaces glycine 605 with arginine.
Molecular consequence: missense variant.
Genome position (GRCh38, 1-based): chr16:89,192,402, G>C. VCF-style: chr16-89192402-G-C. GRCh37 (hg19) VCF-style: chr16-89258810-G-C.
Other names: short protein forms G605R.
Identifiers: ClinVar variation 2647037 (VCV002647037.24), dbSNP rs1915671179, ClinGen allele CA397141433.
Genomic context (GRCh38, chr16:89,192,402, plus strand): 5'-GACGGCGTCTGCCTGCCGGGGGCCGCAGCGCTGCTGGCGGGGGGCACAGGCCTCAGCCTG[G>C]GCGCACTGGTCATCGTGCTGGCCAGCGCCCTCCTGCTGCTGGGTGAGTGAGCGCCCCGCC-3'
Protein context (NP_004924.1, residues 595-615): LLAGGTGLSL[Gly605Arg]ALVIVLASAL

ClinVar aggregate classification (germline): Uncertain significance (1 of 4 stars; one submission).

Submission:

CeGaT Center for Human Genetics Tuebingen
Classification: Uncertain significance. Last evaluated: 2022-07-01. Review status: criteria provided, single submitter. Criteria: CeGaT Center For Human Genetics Tuebingen Variant Classification Criteria Version 2. Collection method: clinical testing. Allele origin: germline. Affected: yes. Observed: 1 variant allele.
Comment: CDH15: PM2